The following is an entry in ClinVar:

ClinVar aggregate classification (germline): Uncertain significance (3 of 4 stars; one submission).

Conditions:
Malignant hyperthermia of anesthesia. Also called: Anesthesic-triggered malignant hyperthermia. Identifiers: Orphanet 423, MedGen C0024591, MONDO:0018493, HP:0034733.

gnomAD v4.1: 1 of 1,614,088 alleles (0.000062%); highest among the groups gnomAD compares: Non-Finnish European, 0.000085%; no homozygotes.

Submission:

ClinGen Malignant Hyperthermia Susceptibility Variant Curation Expert Panel, ClinGen
Classification: Uncertain significance for Malignant hyperthermia of anesthesia. Last evaluated: 2025-08-01. Review status: reviewed by expert panel. Criteria: ClinGen MHS ACMG Specifications V2. Collection method: curation. Allele origin: germline. Inheritance: Autosomal dominant inheritance.
Comment: This pathogenicity assessment is relevant only for malignant hyperthermia susceptibility (MHS) inherited in an autosomal dominant pattern. Variants in RYR1 can also cause other myopathies inherited in an autosomal dominant pattern or in an autosomal recessive pattern. Some of these disorders may predispose individuals to malignant hyperthermia. RYR1 variants may also contribute to a malignant hyperthermia reaction in combination with other genetic and non-genetic factors and the clinician needs to consider such factors in making management decisions. This sequence variant predicts a substitution of leucine with valine at codon 487 of the RYR1 protein, p.(Leu487Val). This variant was not present in a large population database (gnomAD) at the time this variant was interpreted. This variant has been reported in an individual with a personal or family history of an MH episode and a positive in vitro contracture test (IVCT) or caffeine halothane contracture test (CHCT) result (if the proband was unavailable for testing, a positive diagnostic test result in a mutation-positive relative was counted), PS4_Supporting (PMID:30236257). No functional studies were identified for this variant. This variant resides in a region of RYR1 considered to be a hotspot for pathogenic variants that contribute to MHS, PM1 (PMID: 21118704). A REVEL score of 0.668 supports neither a pathogenic nor a benign status for this variant. This variant has been classified as a Variant of Unknown Significance. Criteria implemented: PS4_Supporting, PM1.

NM_000540.3(RYR1):c.1459C>G (p.Leu487Val)

Genes: RYR1 (ryanodine receptor 1; plus strand), LOC129391106 (MPRA-validated peak3472 silencer; plus strand). Cytogenetic location: 19q13.2.
Variant type: single nucleotide variant.
Coding change: c.1459C>G on transcript NM_000540.3 (MANE Select); coding-DNA position 1459, C replaced by G.
Protein change: p.Leu487Val; replaces leucine 487 with valine.
Molecular consequence: missense variant.
Genome position (GRCh38, 1-based): chr19:38,455,253, C>G. VCF-style: chr19-38455253-C-G. GRCh37 (hg19) VCF-style: chr19-38945893-C-G.
Other names: c.1459C>G, p.Leu487Val (NM_001042723.2); short protein forms L487V.
Identifiers: ClinVar variation 1210307 (VCV001210307.3), dbSNP rs780898260, ClinGen allele CA405688428.
Genomic context (GRCh38, chr19:38,455,253, plus strand): 5'-CTGGGTCTCCTATTGTGATGCCTCTTATTTTCCTCATCCTAGGGGATGCTCTCCATGGTC[C>G]TGAATTGCATAGACCGCCTAAATGTCTACACCACTGCTGCCCACTTTGCTGAGTTTGCAG-3'
Protein context (NP_000531.2, residues 477-497): FQEEGMLSMV[Leu487Val]NCIDRLNVYT